The following is an entry in ClinVar:

NM_004656.4(BAP1):c.1144G>A (p.Gly382Ser)

Gene: BAP1 (BRCA1 associated deubiquitinase 1; minus strand). Cytogenetic location: 3p21.1.
Variant type: single nucleotide variant.
Coding change: c.1144G>A on transcript NM_004656.4 (MANE Select); coding-DNA position 1144, G replaced by A.
Protein change: p.Gly382Ser; replaces glycine 382 with serine.
Molecular consequence: missense variant.
Genome position (GRCh38, 1-based): chr3:52,404,559, C>T on the plus strand (G>A on the coding strand, the complement: BAP1 is on the minus strand). VCF-style: chr3-52404559-C-T. GRCh37 (hg19) VCF-style: chr3-52438575-C-T.
Other names: c.1090G>A, p.Gly364Ser (NM_001410772.1); short protein forms G364S, G382S.
Identifiers: ClinVar variation 4620498 (VCV004620498.1).
Genomic context (GRCh38, chr3:52,404,559, plus strand): 5'-CATAGTCATCCTCATCATCTGAGTACTGCTGGGGTGGGCGGACTGGAACTCGGCTGCGGC[C>T]CACACCTGCCGCCAGGTCTTCTTCCTCCTGGGACAAAGACCAGGGCAGTTACAAACAAGT-3'
Protein context (NP_004647.1, residues 372-392): QEEEDLAAGV[Gly382Ser]RSRVPVRPPQ

ClinVar aggregate classification (germline): Uncertain significance (1 of 4 stars; one submission).

Conditions:
Hereditary cancer-predisposing syndrome. Also called: Neoplastic Syndromes, Hereditary; Tumor predisposition; Hereditary Cancer Syndrome; Hereditary neoplastic syndrome. Identifiers: Orphanet 140162, MedGen C0027672, MeSH D009386, MONDO:0015356.

gnomAD v4.1: 2 of 1,613,286 alleles (0.00012%); highest among the groups gnomAD compares: Non-Finnish European, 0.00017%; no homozygotes.

Submission:

Ambry Genetics
Classification: Uncertain significance for Hereditary cancer-predisposing syndrome. Last evaluated: 2025-09-19. Review status: criteria provided, single submitter. Criteria: Ambry Variant Classification Scheme 2023. Collection method: clinical testing. Allele origin: germline.
Comment: The p.G382S variant (also known as c.1144G>A), located in coding exon 12 of the BAP1 gene, results from a G to A substitution at nucleotide position 1144. The glycine at codon 382 is replaced by serine, an amino acid with similar properties. This amino acid position is conserved. In addition, this alteration is predicted to be tolerated by in silico analysis. Based on the available evidence, the clinical significance of this variant remains unclear.